The following is an entry in ClinVar:

NM_006231.4(POLE):c.4846A>G (p.Lys1616Glu)

Gene: POLE (DNA polymerase epsilon, catalytic subunit; minus strand). Cytogenetic location: 12q24.33.
Variant type: single nucleotide variant.
Coding change: c.4846A>G on transcript NM_006231.4 (MANE Select); coding-DNA position 4846, A replaced by G.
Protein change: p.Lys1616Glu; replaces lysine 1616 with glutamic acid.
Molecular consequence: missense variant.
Genome position (GRCh38, 1-based): chr12:132,642,612, T>C on the plus strand (A>G on the coding strand, the complement: POLE is on the minus strand). VCF-style: chr12-132642612-T-C. GRCh37 (hg19) VCF-style: chr12-133219198-T-C.
Other names: c.4846A>G (NM_006231.2); short protein forms K1616E.
Identifiers: ClinVar variation 1011118 (VCV001011118.7), dbSNP rs2042173919, ClinGen allele CA387378184.

ClinVar aggregate classification (germline): Conflicting classifications of pathogenicity. Review status: criteria provided, conflicting classifications (1 of 4 stars). 2 submissions from 2 submitters: Uncertain significance (1); Likely benign (1). Last evaluated 2025-07-02.

Conditions:
Hereditary cancer-predisposing syndrome. Also called: Tumor predisposition; Hereditary neoplastic syndrome; Neoplastic Syndromes, Hereditary; Hereditary Cancer Syndrome. Identifiers: Orphanet 140162, MedGen C0027672, MeSH D009386, MONDO:0015356.

Submissions (2):

Labcorp Genetics (formerly Invitae), Labcorp
Classification: Uncertain significance. Last evaluated: 2025-07-02. Review status: criteria provided, single submitter. Criteria: Invitae Variant Classification Sherloc (09022015). Collection method: clinical testing. Allele origin: germline.
Comment: This sequence change replaces lysine, which is basic and polar, with glutamic acid, which is acidic and polar, at codon 1616 of the POLE protein (p.Lys1616Glu). This variant is not present in population databases (gnomAD no frequency). This variant has not been reported in the literature in individuals affected with POLE-related conditions. ClinVar contains an entry for this variant (Variation ID: 1011118). Invitae Evidence Modeling of protein sequence and biophysical properties (such as structural, functional, and spatial information, amino acid conservation, physicochemical variation, residue mobility, and thermodynamic stability) indicates that this missense variant is not expected to disrupt POLE protein function with a negative predictive value of 80%. In summary, the available evidence is currently insufficient to determine the role of this variant in disease. Therefore, it has been classified as a Variant of Uncertain Significance.

Ambry Genetics
Classification: Likely benign for Hereditary cancer-predisposing syndrome. Last evaluated: 2024-12-12. Review status: criteria provided, single submitter. Criteria: Ambry Variant Classification Scheme 2023. Collection method: clinical testing. Allele origin: germline.